The following is an entry in ClinVar:

NM_000138.5(FBN1):c.981A>T (p.Arg327Ser)

Gene: FBN1 (fibrillin 1; minus strand). Cytogenetic location: 15q21.1.
Variant type: single nucleotide variant.
Coding change: c.981A>T on transcript NM_000138.5 (MANE Select); coding-DNA position 981, A replaced by T.
Protein change: p.Arg327Ser; replaces arginine 327 with serine.
Molecular consequence: missense variant.
Genome position (GRCh38, 1-based): chr15:48,526,137, T>A on the plus strand (A>T on the coding strand, the complement: FBN1 is on the minus strand). VCF-style: chr15-48526137-T-A. GRCh37 (hg19) VCF-style: chr15-48818334-T-A.
Other names: c.981A>T, p.Arg327Ser (NM_001406716.1); short protein forms R327S.
Identifiers: ClinVar variation 3753286 (VCV003753286.3).

ClinVar aggregate classification (germline): Conflicting classifications of pathogenicity. Review status: criteria provided, conflicting classifications (1 of 4 stars). 2 submissions from 2 submitters: Uncertain significance (1); Likely benign (1). Last evaluated 2024-12-20.

Conditions:
Marfan syndrome (MFS). Also called: MARFAN SYNDROME, TYPE I; Marfan syndrome type 1; Marfan's syndrome; Marfan syndrome, classic; FBN1-Related Marfan Syndrome. Identifiers: Orphanet 284963, Orphanet 558, MedGen C0024796, MONDO:0007947, OMIM 154700.
Familial thoracic aortic aneurysm and aortic dissection (TAAD). Also called: Thoracic aortic aneurysms and dissections. Identifiers: Orphanet 91387, MedGen C4707243, MONDO:0019625.

Submissions (2):

GeneDx
Classification: Uncertain significance. Last evaluated: 2024-12-20. Review status: criteria provided, single submitter. Criteria: GeneDx Variant Classification Process June 2021. Collection method: clinical testing. Allele origin: germline. Affected: yes.
Comment: Not observed at significant frequency in large population cohorts (gnomAD); In silico analysis supports that this missense variant has a deleterious effect on protein structure/function; Has not been previously published as pathogenic or benign to our knowledge; This variant is associated with the following publications: (PMID: 12938084)

Labcorp Genetics (formerly Invitae), Labcorp
Classification: Likely benign for Marfan syndrome; Familial thoracic aortic aneurysm and aortic dissection. Last evaluated: 2024-11-12. Review status: criteria provided, single submitter. Criteria: Invitae Variant Classification Sherloc (09022015). Collection method: clinical testing. Allele origin: germline.